The following is an entry in ClinVar:

ClinVar aggregate classification (germline): Pathogenic (1 of 4 stars; one submission).

Conditions:
Hereditary cancer-predisposing syndrome. Also called: Neoplastic Syndromes, Hereditary; Tumor predisposition; Hereditary Cancer Syndrome; Hereditary neoplastic syndrome. Identifiers: Orphanet 140162, MedGen C0027672, MeSH D009386, MONDO:0015356.

Submission:

Ambry Genetics
Classification: Pathogenic for Hereditary cancer-predisposing syndrome. Last evaluated: 2026-04-03. Review status: criteria provided, single submitter. Criteria: Ambry Variant Classification Scheme 2023. Collection method: clinical testing. Allele origin: germline.
Comment: The p.R399* pathogenic mutation (also known as c.1195A>T), located in coding exon 9 of the APC gene, results from an A to T substitution at nucleotide position 1195. This changes the amino acid from an arginine to a stop codon within coding exon 9. This variant was reported in individual(s) with features consistent with APC-related familial adenomatous polyposis (Ambry internal data). This variant is considered to be rare based on population cohorts in the Genome Aggregation Database (gnomAD). This alteration is expected to result in loss of function by premature protein truncation or nonsense-mediated mRNA decay. As such, this alteration is interpreted as a disease-causing mutation.

NM_000038.6(APC):c.1195A>T (p.Arg399Ter)

Gene: APC (APC regulator of Wnt signaling pathway; plus strand). Cytogenetic location: 5q22.2.
Variant type: single nucleotide variant.
Coding change: c.1195A>T on transcript NM_000038.6 (MANE Select); coding-DNA position 1195, A replaced by T.
Protein change: p.Arg399Ter; replaces arginine 399 with a stop codon.
Molecular consequence: nonsense. On other transcripts: non-coding transcript variant (2), intron variant (15).
Genome position (GRCh38, 1-based): chr5:112,819,227, A>T. VCF-style: chr5-112819227-A-T. GRCh37 (hg19) VCF-style: chr5-112154924-A-T.
Other names: c.1195A>T, p.Arg399Ter (NM_001407450.1, NM_001127510.3, NM_001354895.2 and 4 more transcripts); c.1120A>T, p.Arg374Ter (NM_001407451.1, NM_001354898.2); c.1111A>T, p.Arg371Ter (NM_001407452.1, NM_001354899.2); c.1018A>T, p.Arg340Ter (NM_001407453.1, NM_001354900.2, NM_001354901.2); c.346A>T, p.Arg116Ter (NM_001407470.1, NM_001354906.2); c.85-42A>T (NM_001407472.1, NM_001407471.1); c.934-42A>T (NM_001407456.1, NM_001407460.1, NM_001407457.1 and 5 more transcripts); c.850-42A>T (NM_001407469.1, NM_001407467.1); and 5 more; short protein forms R116*, R340*, R371*, R374*, R381*, R399*, R409*.
Identifiers: ClinVar variation 4861083 (VCV004861083.1).